The following is an entry in ClinVar:

ClinVar aggregate classification (germline): Uncertain significance (1 of 4 stars; one submission).

Submission:

Labcorp Genetics (formerly Invitae), Labcorp
Classification: Uncertain significance. Last evaluated: 2022-03-19. Review status: criteria provided, single submitter. Criteria: Invitae Variant Classification Sherloc (09022015). Collection method: clinical testing. Allele origin: germline.
Comment: In summary, the available evidence is currently insufficient to determine the role of this variant in disease. Therefore, it has been classified as a Variant of Uncertain Significance. Experimental studies and prediction algorithms are not available or were not evaluated, and the functional significance of this variant is currently unknown. ClinVar contains an entry for this variant (Variation ID: 1046191). This variant has not been reported in the literature in individuals affected with VCAN-related conditions. This variant is not present in population databases (gnomAD no frequency). This sequence change creates a premature translational stop signal (p.Trp3387*) in the VCAN gene. While this is not anticipated to result in nonsense mediated decay, it is expected to disrupt the last 10 amino acid(s) of the VCAN protein.

NM_004385.5(VCAN):c.10161G>A (p.Trp3387Ter)

Gene: VCAN (versican; plus strand). Cytogenetic location: 5q14.3.
Variant type: single nucleotide variant.
Coding change: c.10161G>A on transcript NM_004385.5 (MANE Select); coding-DNA position 10161, G replaced by A.
Protein change: p.Trp3387Ter; replaces tryptophan 3387 with a stop codon.
Molecular consequence: nonsense.
Genome position (GRCh38, 1-based): chr5:83,580,404, G>A. VCF-style: chr5-83580404-G-A. GRCh37 (hg19) VCF-style: chr5-82876223-G-A.
Other names: c.1938G>A, p.Trp646Ter (NM_001126336.3); c.7200G>A, p.Trp2400Ter (NM_001164097.2); c.4899G>A, p.Trp1633Ter (NM_001164098.2); short protein forms W2400*, W3387*, W646*, W1633*.
Identifiers: ClinVar variation 1046191 (VCV001046191.6), dbSNP rs1748630473, ClinGen allele CA360302669.